The following is an entry in ClinVar:

ClinVar aggregate classification (germline): Uncertain significance (1 of 4 stars; one submission).

Conditions:
Hereditary spastic paraplegia 50 (SPG50). Also called: Spastic paraplegia 50, autosomal recessive. Identifiers: Orphanet 280763, MedGen C2752008, MONDO:0013048, OMIM 612936.

Allele frequency attached by ClinVar (database versions not stated): ExAC 0.00002.

Submission:

Labcorp Genetics (formerly Invitae), Labcorp
Classification: Uncertain significance for Hereditary spastic paraplegia 50. Last evaluated: 2022-07-23. Review status: criteria provided, single submitter. Criteria: Invitae Variant Classification Sherloc (09022015). Collection method: clinical testing. Allele origin: germline.
Comment: This sequence change replaces glutamic acid, which is acidic and polar, with glutamine, which is neutral and polar, at codon 111 of the AP4M1 protein (p.Glu111Gln). This variant is present in population databases (rs757419197, gnomAD 0.006%). This variant has not been reported in the literature in individuals affected with AP4M1-related conditions. Algorithms developed to predict the effect of missense changes on protein structure and function (SIFT, PolyPhen-2, Align-GVGD) all suggest that this variant is likely to be disruptive. In summary, the available evidence is currently insufficient to determine the role of this variant in disease. Therefore, it has been classified as a Variant of Uncertain Significance.

NM_004722.4(AP4M1):c.331G>C (p.Glu111Gln)

Gene: AP4M1 (adaptor related protein complex 4 subunit mu 1; plus strand). Cytogenetic location: 7q22.1.
Variant type: single nucleotide variant.
Coding change: c.331G>C on transcript NM_004722.4 (MANE Select); coding-DNA position 331, G replaced by C.
Protein change: p.Glu111Gln; replaces glutamic acid 111 with glutamine.
Molecular consequence: missense variant.
Genome position (GRCh38, 1-based): chr7:100,102,940, G>C. VCF-style: chr7-100102940-G-C. GRCh37 (hg19) VCF-style: chr7-99700563-G-C.
Other names: c.352G>C, p.Glu118Gln (NM_001363671.2); short protein forms E111Q, E118Q.
Identifiers: ClinVar variation 2165756 (VCV002165756.1), dbSNP rs757419197, ClinGen allele CA4374567.